The following is an entry in ClinVar:

ClinVar aggregate classification (germline): Likely pathogenic (1 of 4 stars; one submission).

Conditions:
Cardiovascular phenotype. Identifiers: MedGen CN230736.

Submission:

Molecular Diagnostic Laboratory for Inherited Cardiovascular Disease, Montreal Heart Institute
Classification: Likely pathogenic for Cardiovascular phenotype. Last evaluated: 2026-02-06. Review status: criteria provided, single submitter. Criteria: ACMG Guidelines, 2015. Collection method: clinical testing. Allele origin: germline. Affected: yes.
Comment: PVS1, PM2

NM_001458.5(FLNC):c.4102del (p.Ala1368fs)

Gene: FLNC (filamin C; plus strand). Cytogenetic location: 7q32.1.
Variant type: Deletion.
Coding change: c.4102del on transcript NM_001458.5 (MANE Select); coding-DNA position 4102, one base deleted (G; older notation c.4102delG).
Protein change: p.Ala1368fs; shifts the reading frame from alanine 1368.
Molecular consequence: frameshift variant.
Genome position (GRCh38, 1-based): chr7:128,846,438, G deleted; the last of 2 consecutive G bases (chr7:128,846,437-128,846,438); deleting either gives the same sequence. VCF-style (leftmost placement, unchanged base first): chr7-128846436-AG-A. GRCh37 (hg19) VCF-style: chr7-128486490-AG-A.
Other names: c.4102del, p.Ala1368fs (NM_001127487.2); c.4102delG, p.Ala1368Profs (NM_001458.4); short protein forms A1368fs.
Identifiers: ClinVar variation 4820508 (VCV004820508.1).